The following is an entry in ClinVar:

NM_198506.5(LRIT3):c.936A>G (p.Ile312Met)

Gene: LRIT3 (leucine rich repeat, Ig-like and transmembrane domains 3; plus strand). Cytogenetic location: 4q25.
Variant type: single nucleotide variant.
Coding change: c.936A>G on transcript NM_198506.5 (MANE Select); coding-DNA position 936, A replaced by G.
Protein change: p.Ile312Met; replaces isoleucine 312 with methionine.
Molecular consequence: missense variant.
Genome position (GRCh38, 1-based): chr4:109,869,685, A>G. VCF-style: chr4-109869685-A-G. GRCh37 (hg19) VCF-style: chr4-110790841-A-G.
Other names: c.801A>G (NM_198506.2); short protein forms I312M.
Identifiers: ClinVar variation 2010226 (VCV002010226.4), dbSNP rs775531246, ClinGen allele CA3043100.
Genomic context (GRCh38, chr4:109,869,685, plus strand): 5'-ATACATTTGTTTTCTTCCAGTAATACAAGAATCTCCAGAGGAAGGAGTCAGATGGTCCAT[A>G]ATGAGCTTGACAGGCATTTCTTCCAAAGACGCTGGGGATTACAAATGTAAGGCCAAAAAT-3'
Protein context (NP_940908.3, residues 302-322): ESPEEGVRWS[Ile312Met]MSLTGISSKD

ClinVar aggregate classification (germline): Uncertain significance. Review status: criteria provided, multiple submitters, no conflicts (2 of 4 stars). 2 submissions from 2 submitters: Uncertain significance (2). Last evaluated 2025-01-15.

Conditions:
Inborn genetic diseases. Identifiers: MedGen C0950123, MeSH D030342.

Allele frequency attached by ClinVar (database versions not stated): gnomAD exomes below 0.00001; ExAC 0.00001; TOPMed 0.00001; gnomAD 0.00002.
gnomAD v4.1: 6 of 1,588,698 alleles (0.00038%); highest among the groups gnomAD compares: East Asian, 0.0067%; no homozygotes.

Submissions (2):

Labcorp Genetics (formerly Invitae), Labcorp
Classification: Uncertain significance. Last evaluated: 2025-01-15. Review status: criteria provided, single submitter. Criteria: Invitae Variant Classification Sherloc (09022015). Collection method: clinical testing. Allele origin: germline.
Comment: This sequence change replaces isoleucine, which is neutral and non-polar, with methionine, which is neutral and non-polar, at codon 312 of the LRIT3 protein (p.Ile312Met). This variant is present in population databases (rs775531246, gnomAD 0.01%). This variant has not been reported in the literature in individuals affected with LRIT3-related conditions. ClinVar contains an entry for this variant (Variation ID: 2010226). An algorithm developed to predict the effect of missense changes on protein structure and function (PolyPhen-2) suggests that this variant is likely to be disruptive. In summary, the available evidence is currently insufficient to determine the role of this variant in disease. Therefore, it has been classified as a Variant of Uncertain Significance.

Ambry Genetics
Classification: Uncertain significance for Inborn genetic diseases. Last evaluated: 2024-01-29. Review status: criteria provided, single submitter. Criteria: Ambry Variant Classification Scheme 2023. Collection method: clinical testing. Allele origin: germline.